The following is an entry in ClinVar:

NM_001844.5(COL2A1):c.3538A>C (p.Ile1180Leu)

Gene: COL2A1 (collagen type II alpha 1 chain; minus strand). Cytogenetic location: 12q13.11.
Variant type: single nucleotide variant.
Coding change: c.3538A>C on transcript NM_001844.5 (MANE Select); coding-DNA position 3538, A replaced by C.
Protein change: p.Ile1180Leu; replaces isoleucine 1180 with leucine.
Molecular consequence: missense variant.
Genome position (GRCh38, 1-based): chr12:47,976,022, T>G on the plus strand (A>C on the coding strand, the complement: COL2A1 is on the minus strand). VCF-style: chr12-47976022-T-G. GRCh37 (hg19) VCF-style: chr12-48369805-T-G.
Other names: c.3331A>C, p.Ile1111Leu (NM_033150.3); short protein forms I1180L, I1111L.
Identifiers: ClinVar variation 2082777 (VCV002082777.4), dbSNP rs2540102562, ClinGen allele CA384537362.

ClinVar aggregate classification (germline): Uncertain significance (1 of 4 stars; one submission).

Allele frequency attached by ClinVar (database versions not stated): gnomAD exomes below 0.00001.

Submission:

Labcorp Genetics (formerly Invitae), Labcorp
Classification: Uncertain significance. Last evaluated: 2022-06-23. Review status: criteria provided, single submitter. Criteria: Invitae Variant Classification Sherloc (09022015). Collection method: clinical testing. Allele origin: germline.
Comment: This variant has not been reported in the literature in individuals affected with COL2A1-related conditions. This variant is not present in population databases (gnomAD no frequency). This sequence change replaces isoleucine, which is neutral and non-polar, with leucine, which is neutral and non-polar, at codon 1180 of the COL2A1 protein (p.Ile1180Leu). In summary, the available evidence is currently insufficient to determine the role of this variant in disease. Therefore, it has been classified as a Variant of Uncertain Significance. Advanced modeling of protein sequence and biophysical properties (such as structural, functional, and spatial information, amino acid conservation, physicochemical variation, residue mobility, and thermodynamic stability) performed at Invitae indicates that this missense variant is not expected to disrupt COL2A1 protein function.